The following is an entry in ClinVar:

NM_000059.4(BRCA2):c.2907A>C (p.Gln969His)

Gene: BRCA2 (BRCA2 DNA repair associated; plus strand). Cytogenetic location: 13q13.1.
Variant type: single nucleotide variant.
Coding change: c.2907A>C on transcript NM_000059.4 (MANE Select); coding-DNA position 2907, A replaced by C.
Protein change: p.Gln969His; replaces glutamine 969 with histidine.
Molecular consequence: missense variant.
Genome position (GRCh38, 1-based): chr13:32,337,262, A>C. VCF-style: chr13-32337262-A-C. GRCh37 (hg19) VCF-style: chr13-32911399-A-C.
Other names: c.2907A>C, p.Gln969His (NM_001406719.1, NM_001406720.1); short protein forms Q969H.
Identifiers: ClinVar variation 2010018 (VCV002010018.7), dbSNP rs1555282935, ClinGen allele CA387774181.

ClinVar aggregate classification (germline): Conflicting classifications of pathogenicity. Review status: criteria provided, conflicting classifications (1 of 4 stars). 3 submissions from 3 submitters: Uncertain significance (2); Likely benign (1). Last evaluated 2024-06-04.

Conditions:
Hereditary cancer-predisposing syndrome. Also called: Tumor predisposition; Neoplastic Syndromes, Hereditary; Hereditary Cancer Syndrome; Hereditary neoplastic syndrome. Identifiers: Orphanet 140162, MedGen C0027672, MeSH D009386, MONDO:0015356.
Hereditary breast ovarian cancer syndrome. Also called: Hereditary breast and ovarian cancer syndrome (HBOC); Hereditary breast and ovarian cancer syndrome; Hereditary breast and ovarian cancer; Breast and ovarian cancer; BRCA1- and BRCA2-Associated Hereditary Breast and Ovarian Cancer; Hereditary breast and/or ovarian cancer syndrome. Identifiers: Orphanet 145, MedGen C0677776, MeSH D061325, MONDO:0003582. Disease mechanism: loss of function.

Submissions (3):

Labcorp Genetics (formerly Invitae), Labcorp
Classification: Uncertain significance for Hereditary breast ovarian cancer syndrome. Last evaluated: 2024-06-04. Review status: criteria provided, single submitter. Criteria: Invitae Variant Classification Sherloc (09022015). Collection method: clinical testing. Allele origin: germline.
Comment: This sequence change replaces glutamine, which is neutral and polar, with histidine, which is basic and polar, at codon 969 of the BRCA2 protein (p.Gln969His). This variant is not present in population databases (gnomAD no frequency). This variant has not been reported in the literature in individuals affected with BRCA2-related conditions. ClinVar contains an entry for this variant (Variation ID: 2010018). Advanced modeling of protein sequence and biophysical properties (such as structural, functional, and spatial information, amino acid conservation, physicochemical variation, residue mobility, and thermodynamic stability) performed at Invitae indicates that this missense variant is not expected to disrupt BRCA2 protein function with a negative predictive value of 95%. In summary, the available evidence is currently insufficient to determine the role of this variant in disease. Therefore, it has been classified as a Variant of Uncertain Significance.

Ambry Genetics
Classification: Uncertain significance for Hereditary cancer-predisposing syndrome. Last evaluated: 2023-12-14. Review status: criteria provided, single submitter. Criteria: Ambry Variant Classification Scheme 2023. Collection method: clinical testing. Allele origin: germline.
Comment: The p.Q969H variant (also known as c.2907A>C), located in coding exon 10 of the BRCA2 gene, results from an A to C substitution at nucleotide position 2907. The glutamine at codon 969 is replaced by histidine, an amino acid with highly similar properties. This amino acid position is not well conserved in available vertebrate species. In addition, the in silico prediction for this alteration is inconclusive. Since supporting evidence is limited at this time, the clinical significance of this alteration remains unclear.

University of Washington Department of Laboratory Medicine, University of Washington
Classification: Likely benign for Hereditary cancer-predisposing syndrome. Last evaluated: 2023-03-23. Review status: criteria provided, single submitter. Criteria: Dines et al. (Genet Med. 2020). Collection method: curation. Allele origin: germline.
Comment: Missense variant in a coldspot region where missense variants are very unlikely to be pathogenic (PMID:31911673).

BRCA2 exon 11 coldspot. Reclassification based on statistical prior probability.